The following is an entry in ClinVar:

ClinVar aggregate classification (germline): Conflicting classifications of pathogenicity. Review status: criteria provided, conflicting classifications (1 of 4 stars). 2 submissions from 2 submitters: Uncertain significance (1); Benign (1). Last evaluated 2024-11-05.

Conditions:
Von Hippel-Lindau syndrome (VHLS). Also called: Von Hippel-Lindau; von Hippel–Lindau syndrome; VHL syndrome. Identifiers: Orphanet 892, MedGen C0019562, MONDO:0008667, OMIM 193300. Disease mechanism: loss of function.
Chuvash polycythemia. Also called: POLYCYTHEMIA, VHL-DEPENDENT. Identifiers: Orphanet 238557, MedGen C1837915, MONDO:0009892, OMIM 263400.
Hereditary cancer-predisposing syndrome. Also called: Neoplastic Syndromes, Hereditary; Hereditary Cancer Syndrome; Tumor predisposition; Hereditary neoplastic syndrome. Identifiers: Orphanet 140162, MedGen C0027672, MeSH D009386, MONDO:0015356.

Submissions (2):

Ambry Genetics
Classification: Benign for Hereditary cancer-predisposing syndrome. Last evaluated: 2024-11-05. Review status: criteria provided, single submitter. Criteria: Ambry Variant Classification Scheme 2023. Collection method: clinical testing. Allele origin: germline.

Labcorp Genetics (formerly Invitae), Labcorp
Classification: Uncertain significance for Von Hippel-Lindau syndrome; Chuvash polycythemia. Last evaluated: 2023-01-25. Review status: criteria provided, single submitter. Criteria: Invitae Variant Classification Sherloc (09022015). Collection method: clinical testing. Allele origin: germline.
Comment: In summary, the available evidence is currently insufficient to determine the role of this variant in disease. Therefore, it has been classified as a Variant of Uncertain Significance. Advanced modeling of protein sequence and biophysical properties (such as structural, functional, and spatial information, amino acid conservation, physicochemical variation, residue mobility, and thermodynamic stability) performed at Invitae indicates that this missense variant is not expected to disrupt VHL protein function. This sequence change replaces alanine, which is neutral and non-polar, with threonine, which is neutral and polar, at codon 50 of the VHL protein (p.Ala50Thr). This variant is not present in population databases (gnomAD no frequency). This variant has not been reported in the literature in individuals affected with VHL-related conditions. ClinVar contains an entry for this variant (Variation ID: 1469705).

Literature cited by the submitters: PubMed 38969834 (cited by Ambry Genetics).

NM_000551.4(VHL):c.148G>A (p.Ala50Thr)

Gene: VHL (von Hippel-Lindau tumor suppressor; plus strand). Cytogenetic location: 3p25.3.
Variant type: single nucleotide variant.
Coding change: c.148G>A on transcript NM_000551.4 (MANE Select); coding-DNA position 148, G replaced by A.
Protein change: p.Ala50Thr; replaces alanine 50 with threonine.
Molecular consequence: missense variant.
Genome position (GRCh38, 1-based): chr3:10,141,995, G>A. VCF-style: chr3-10141995-G-A. GRCh37 (hg19) VCF-style: chr3-10183679-G-A.
Other names: c.148G>A (NM_000551.3); c.148G>A, p.Ala50Thr (NM_001354723.2, NM_198156.3); short protein forms A50T.
Identifiers: ClinVar variation 1469705 (VCV001469705.9), dbSNP rs1696124466, ClinGen allele CA351748226.